The following is an entry in ClinVar:

NM_001256789.3(CACNA1F):c.276-8C>T

Gene: CACNA1F (calcium voltage-gated channel subunit alpha1 F; minus strand). Cytogenetic location: Xp11.23.
Variant type: single nucleotide variant.
Coding change: c.276-8C>T on transcript NM_001256789.3 (MANE Select); 8 bases into the intron before coding-DNA position 276, C replaced by T.
Molecular consequence: intron variant.
Genome position (GRCh38, 1-based): chrX:49,231,315, G>A on the plus strand (C>T on the coding strand, the complement: CACNA1F is on the minus strand). VCF-style: chrX-49231315-G-A. GRCh37 (hg19) VCF-style: chrX-49087777-G-A.
Other names: c.276-8C>T (NM_005183.4); c.81-8C>T (NM_001256790.3).
Identifiers: ClinVar variation 3357944 (VCV003357944.1).

ClinVar aggregate classification (germline): Likely benign (0 of 4 stars; one submission).

Conditions:
CACNA1F-related disorder. Also called: CACNA1F-related condition.

gnomAD v4.1: 2 of 1,117,380 alleles (0.00018%); highest among the groups gnomAD compares: Non-Finnish European, 0.00024%; no homozygotes.

Submission:

PreventionGenetics, part of Exact Sciences
Classification: Likely benign for CACNA1F-related condition. Last evaluated: 2024-09-03. Review status: no assertion criteria provided. Collection method: clinical testing. Allele origin: germline.
Comment: This variant is classified as likely benign based on ACMG/AMP sequence variant interpretation guidelines (Richards et al. 2015 PMID: 25741868, with internal and published modifications).